The following is an entry in ClinVar:

ClinVar aggregate classification (germline): Uncertain significance (1 of 4 stars; one submission).

Submission:

Labcorp Genetics (formerly Invitae), Labcorp
Classification: Uncertain significance. Last evaluated: 2023-01-15. Review status: criteria provided, single submitter. Criteria: Invitae Variant Classification Sherloc (09022015). Collection method: clinical testing. Allele origin: germline.
Comment: This variant, c.1007_1009del, results in the deletion of 1 amino acid(s) of the CCDC88A protein (p.Leu336del), but otherwise preserves the integrity of the reading frame. In summary, the available evidence is currently insufficient to determine the role of this variant in disease. Therefore, it has been classified as a Variant of Uncertain Significance. Experimental studies and prediction algorithms are not available or were not evaluated, and the functional significance of this variant is currently unknown. This variant has not been reported in the literature in individuals affected with CCDC88A-related conditions. This variant is not present in population databases (gnomAD no frequency).

NM_001365480.1(CCDC88A):c.1007_1009del (p.Leu336del)

Gene: CCDC88A (coiled-coil and HOOK domain protein 88A; minus strand). Cytogenetic location: 2p16.1.
Variant type: Deletion.
Coding change: c.1007_1009del on transcript NM_001365480.1 (MANE Select); coding-DNA positions 1007 to 1009, 3 bases deleted (TAC; older notation c.1007_1009delTAC).
Protein change: p.Leu336del; deletes leucine 336.
Molecular consequence: inframe deletion.
Genome position (GRCh38, 1-based): chr2:55,346,207-55,346,209, GTA deleted on the plus strand (TAC on the coding strand, the reverse complement: CCDC88A is on the minus strand); deleting any 3 consecutive bases within chr2:55,346,207-55,346,211 gives the same sequence; the c. name uses the placement nearest the transcript's 3' end. VCF-style (leftmost placement, unchanged base first): chr2-55346206-TGTA-T. GRCh37 (hg19) VCF-style: chr2-55573342-TGTA-T.
Other names: c.1007_1009del, p.Leu336del (NM_001135597.2, NM_001254943.2, NM_018084.5); short protein forms L336del.
Identifiers: ClinVar variation 1996361 (VCV001996361.4), dbSNP rs2544879371, ClinGen allele CA2580067423.